The following is an entry in ClinVar:

ClinVar aggregate classification (germline): Pathogenic (1 of 4 stars; one submission).

Conditions:
Joubert syndrome 21 (JBTS21). Identifiers: MedGen C3810212, MONDO:0014288, OMIM 615636.

Allele frequency attached by ClinVar (database versions not stated): gnomAD exomes below 0.00001; ExAC 0.00001.
gnomAD v4.1: 2 of 1,613,634 alleles (0.00012%); highest among the groups gnomAD compares: Admixed American, 0.0033%; no homozygotes.

Submission:

Labcorp Genetics (formerly Invitae), Labcorp
Classification: Pathogenic for Joubert syndrome 21. Last evaluated: 2025-10-10. Review status: criteria provided, single submitter. Criteria: Invitae Variant Classification Sherloc (09022015). Collection method: clinical testing. Allele origin: germline.
Comment: This sequence change creates a premature translational stop signal (p.Ser885*) in the CSPP1 gene. It is expected to result in an absent or disrupted protein product. Loss-of-function variants in CSPP1 are known to be pathogenic (PMID: 24360807, 24360808). This variant is present in population databases (rs766529852, gnomAD 0.003%). This variant has not been reported in the literature in individuals affected with CSPP1-related conditions. ClinVar contains an entry for this variant (Variation ID: 2017085). For these reasons, this variant has been classified as Pathogenic.

Literature cited by the submitters: PubMed 24360807; PubMed 24360808.

NM_001382391.1(CSPP1):c.2669C>A (p.Ser890Ter)

Gene: CSPP1 (centrosome and spindle pole associated protein 1; plus strand). Cytogenetic location: 8q13.2.
Variant type: single nucleotide variant.
Coding change: c.2669C>A on transcript NM_001382391.1 (MANE Select); coding-DNA position 2669, C replaced by A.
Protein change: p.Ser890Ter; replaces serine 890 with a stop codon.
Molecular consequence: nonsense.
Genome position (GRCh38, 1-based): chr8:67,163,757, C>A. VCF-style: chr8-67163757-C-A. GRCh37 (hg19) VCF-style: chr8-68075992-C-A.
Other names: c.2474C>A, p.Ser825Ter (NM_001363132.2); c.2393C>A, p.Ser798Ter (NM_001363133.2); c.2735C>A, p.Ser912Ter (NM_001364869.1); c.2555C>A, p.Ser852Ter (NM_001364870.1); c.2654C>A, p.Ser885Ter (NM_024790.7); c.1619C>A, p.Ser540Ter (NM_001291339.2); c.2588C>A, p.Ser863Ter (NM_001363131.2); short protein forms S890*, S912*, S798*, S825*, S885*, S540*, S852*, S863*.
Identifiers: ClinVar variation 2017085 (VCV002017085.4), dbSNP rs766529852, ClinGen allele CA4770901.